The following is an entry in ClinVar:

ClinVar aggregate classification (germline): Uncertain significance (1 of 4 stars; one submission).

Conditions:
Multiple endocrine neoplasia, type 1 (MEN1). Also called: MEA I; MEN I; WERMER SYNDROME; Endocrine adenomatosis multiple; MEN 1. Identifiers: Orphanet 652, MedGen C0025267, MeSH D018761, MONDO:0007540, OMIM 131100.

Submission:

Labcorp Genetics (formerly Invitae), Labcorp
Classification: Uncertain significance for Multiple endocrine neoplasia, type 1. Last evaluated: 2019-11-25. Review status: criteria provided, single submitter. Criteria: Invitae Variant Classification Sherloc (09022015). Collection method: clinical testing. Allele origin: germline.
Comment: This variant is not present in population databases (ExAC no frequency). In summary, the available evidence is currently insufficient to determine the role of this variant in disease. Therefore, it has been classified as a Variant of Uncertain Significance. Algorithms developed to predict the effect of missense changes on protein structure and function (SIFT, PolyPhen-2, Align-GVGD) all suggest that this variant is likely to be tolerated, but these predictions have not been confirmed by published functional studies and their clinical significance is uncertain. This variant has not been reported in the literature in individuals with MEN1-related conditions. This sequence change replaces glycine with arginine at codon 111 of the MEN1 protein (p.Gly111Arg). The glycine residue is moderately conserved and there is a moderate physicochemical difference between glycine and arginine.

NM_001370259.2(MEN1):c.331G>C (p.Gly111Arg)

Gene: MEN1 (menin 1; minus strand). Cytogenetic location: 11q13.1.
Variant type: single nucleotide variant.
Coding change: c.331G>C on transcript NM_001370259.2 (MANE Select); coding-DNA position 331, G replaced by C.
Protein change: p.Gly111Arg; replaces glycine 111 with arginine.
Molecular consequence: missense variant.
Genome position (GRCh38, 1-based): chr11:64,809,779, C>G on the plus strand (G>C on the coding strand, the complement: MEN1 is on the minus strand). VCF-style: chr11-64809779-C-G. GRCh37 (hg19) VCF-style: chr11-64577251-C-G.
Other names: c.331G>C, p.Gly111Arg (NM_130801.3, NM_130802.3, NM_130803.3 and 9 more transcripts); short protein forms G111R.
Identifiers: ClinVar variation 841627 (VCV000841627.9), dbSNP rs1941987221, ClinGen allele CA381187392.